The following is an entry in ClinVar:

NM_000937.5(POLR2A):c.1880A>C (p.Lys627Thr)

Gene: POLR2A (RNA polymerase II subunit A; plus strand). Cytogenetic location: 17p13.1.
Variant type: single nucleotide variant.
Coding change: c.1880A>C on transcript NM_000937.5 (MANE Select); coding-DNA position 1880, A replaced by C.
Protein change: p.Lys627Thr; replaces lysine 627 with threonine.
Molecular consequence: missense variant.
Genome position (GRCh38, 1-based): chr17:7,500,847, A>C. VCF-style: chr17-7500847-A-C. GRCh37 (hg19) VCF-style: chr17-7404166-A-C.
Other names: short protein forms K627T.
Identifiers: ClinVar variation 1702581 (VCV001702581.2), dbSNP rs2150882409, ClinGen allele CA397882608.
Genomic context (GRCh38, chr17:7,500,847, plus strand): 5'-GCACCCATCCCGATGATGAAGACAGTGGCCCTTACAAGCACATCTCTCCTGGGGACACCA[A>C]GGTAGGGCTTGGCTTCTGGATATGTGAGGACAGAATTTGGACGTGGGAGCCAGGACCAGA-3'
Protein context (NP_000928.1, residues 617-637): PYKHISPGDT[Lys627Thr]VVVENGELIM

ClinVar aggregate classification (germline): Uncertain significance (1 of 4 stars; one submission).

Submission:

GeneDx
Classification: Uncertain significance. Last evaluated: 2022-02-17. Review status: criteria provided, single submitter. Criteria: GeneDx Variant Classification Process June 2021. Collection method: clinical testing. Allele origin: germline. Affected: yes.
Comment: Not observed at significant frequency in large population cohorts (gnomAD); In silico analysis supports that this missense variant has a deleterious effect on protein structure/function; Has not been previously published as pathogenic or benign to our knowledge